The following is an entry in ClinVar:

ClinVar aggregate classification (germline): Uncertain significance. Review status: criteria provided, multiple submitters, no conflicts (2 of 4 stars). 2 submissions from 2 submitters: Uncertain significance (2). Last evaluated 2021-09-17.

Conditions:
Isolated focal cortical dysplasia type II (FCORD2). Also called: Focal cortical dysplasia type II; CORTICAL DYSPLASIA OF TAYLOR. Identifiers: Orphanet 268994, MedGen C1846385, MONDO:0011818, OMIM 607341, HP:0032051.
Tuberous sclerosis 2 (TSC2). Identifiers: Orphanet 805, MedGen C1860707, MONDO:0013199, OMIM 613254.
Lymphangiomyomatosis (LAM). Also called: Lymphangioleiomyomatosis; Lymphangioleiomyomatosis, somatic. Identifiers: Orphanet 538, MedGen C0751674, MONDO:0011705, OMIM 606690.

Submissions (2):

Labcorp Genetics (formerly Invitae), Labcorp
Classification: Uncertain significance for Tuberous sclerosis 2. Last evaluated: 2021-09-17. Review status: criteria provided, single submitter. Criteria: Invitae Variant Classification Sherloc (09022015). Collection method: clinical testing. Allele origin: germline.
Comment: This sequence change replaces leucine with valine at codon 1559 of the TSC2 protein (p.Leu1559Val). The leucine residue is weakly conserved and there is a small physicochemical difference between leucine and valine. This variant is not present in population databases (ExAC no frequency). This variant has not been reported in the literature in individuals with TSC2-related conditions. Advanced modeling of protein sequence and biophysical properties (such as structural, functional, and spatial information, amino acid conservation, physicochemical variation, residue mobility, and thermodynamic stability) performed at Invitae indicates that this missense variant is not expected to disrupt TSC2 protein function. In summary, the available evidence is currently insufficient to determine the role of this variant in disease. Therefore, it has been classified as a Variant of Uncertain Significance.

Juno Genomics, Hangzhou Juno Genomics, Inc
Classification: Uncertain significance for Tuberous sclerosis 2; Isolated focal cortical dysplasia type II; Lymphangiomyomatosis. Review status: criteria provided, single submitter. Criteria: ACMG Guidelines, 2015. Collection method: clinical testing. Allele origin: germline.
Comment: Absent from controls (or at extremely low frequency if recessive) in Genome Aggregation Database.

NM_000548.5(TSC2):c.4675C>G (p.Leu1559Val)

Gene: TSC2 (TSC complex subunit 2; plus strand). Cytogenetic location: 16p13.3.
Variant type: single nucleotide variant.
Coding change: c.4675C>G on transcript NM_000548.5 (MANE Select); coding-DNA position 4675, C replaced by G.
Protein change: p.Leu1559Val; replaces leucine 1559 with valine.
Molecular consequence: missense variant.
Genome position (GRCh38, 1-based): chr16:2,086,205, C>G. VCF-style: chr16-2086205-C-G. GRCh37 (hg19) VCF-style: chr16-2136206-C-G.
Other names: c.4474C>G, p.Leu1492Val (NM_001077183.3); c.4606C>G, p.Leu1536Val (NM_001114382.3); c.4366C>G, p.Leu1456Val (NM_001318827.2); c.4330C>G, p.Leu1444Val (NM_001318829.2); c.3943C>G, p.Leu1315Val (NM_001318831.2); c.4507C>G, p.Leu1503Val (NM_001318832.2); c.4477C>G, p.Leu1493Val (NM_001363528.2); c.4543C>G, p.Leu1515Val (NM_001370404.1); and 1 more; short protein forms L1456V, L1492V, L1503V, L1559V, L1315V, L1444V, L1493V, L1515V.
Identifiers: ClinVar variation 1422859 (VCV001422859.7), dbSNP rs1327797297, ClinGen allele CA394306968.